The following is an entry in ClinVar:

NM_005591.4(MRE11):c.*183G>A

Gene: MRE11 (MRE11 homolog, double strand break repair nuclease; minus strand). Cytogenetic location: 11q21.
Variant type: single nucleotide variant.
Coding change: c.*183G>A on transcript NM_005591.4 (MANE Select); 183 bases downstream of the stop codon, G replaced by A.
Molecular consequence: 3 prime UTR variant.
Genome position (GRCh38, 1-based): chr11:94,419,942, C>T on the plus strand (G>A on the coding strand, the complement: MRE11 is on the minus strand). VCF-style: chr11-94419942-C-T. GRCh37 (hg19) VCF-style: chr11-94153108-C-T.
Other names: c.*183G>A (NM_001330347.2, NM_005590.4).
Identifiers: ClinVar variation 306488 (VCV000306488.6), dbSNP rs13447745, ClinGen allele CA10640513.

ClinVar aggregate classification (germline): Benign. Review status: criteria provided, multiple submitters, no conflicts (2 of 4 stars). 2 submissions from 2 submitters: Benign (2). Last evaluated 2018-01-12.

Conditions:
Ataxia-telangiectasia-like disorder 1 (ATLD1). Identifiers: Orphanet 251347, MedGen C4012790, MONDO:0024557, OMIM 604391.

Allele frequency attached by ClinVar (database versions not stated): gnomAD 0.01140 and 0.01207; TOPMed 0.01230; gnomAD exomes 0.01330; 1000 Genomes Project 30x 0.01546; 1000 Genomes Project 0.01558.
gnomAD v4.1: 6,319 of 481,510 alleles (1.3%); highest among the groups gnomAD compares: Middle Eastern, 6.7%; 101 homozygotes.

Submissions (2):

Illumina Laboratory Services, Illumina
Classification: Benign for Ataxia-telangiectasia-like disorder 1. Last evaluated: 2018-01-12. Review status: criteria provided, single submitter. Criteria: ICSL Variant Classification Criteria 13 December 2019. Collection method: clinical testing. Allele origin: germline.
Comment: This variant was observed in the ICSL laboratory as part of a predisposition screen in an ostensibly healthy population. It had not been previously curated by ICSL or reported in the Human Gene Mutation Database (HGMD: prior to June 1st, 2018), and was therefore a candidate for classification through an automated scoring system. Utilizing variant allele frequency, disease prevalence and penetrance estimates, and inheritance mode, an automated score was calculated to assess if this variant is too frequent to cause the disease. Based on the score and internal cut-off values, a variant classified as benign is not then subjected to further curation. The score for this variant resulted in a classification of benign for this disease.

Breakthrough Genomics
Classification: Benign. Review status: criteria provided, single submitter. Criteria: ACMG Guidelines, 2015. Collection method: not provided. Allele origin: germline. Inheritance: Autosomal recessive inheritance. Affected: yes.